The following is an entry in ClinVar:

ClinVar aggregate classification (germline): Pathogenic (1 of 4 stars; one submission).

Conditions:
Neurofibromatosis, type 1 (NF1). Also called: Peripheral type neurofibromatosis; VON RECKLINGHAUSEN DISEASE; NEUROFIBROMATOSIS, TYPE I, SOMATIC; Neurofibromatosis, type I. Identifiers: Orphanet 636, MedGen C0027831, MONDO:0018975, OMIM 162200. Disease mechanism: loss of function.

Submission:

Labcorp Genetics (formerly Invitae), Labcorp
Classification: Pathogenic for Neurofibromatosis, type 1. Last evaluated: 2023-12-24. Review status: criteria provided, single submitter. Criteria: Invitae Variant Classification Sherloc (09022015). Collection method: clinical testing. Allele origin: germline.
Comment: This sequence change creates a premature translational stop signal (p.Cys2041Argfs*10) in the NF1 gene. It is expected to result in an absent or disrupted protein product. Loss-of-function variants in NF1 are known to be pathogenic (PMID: 10712197, 23913538). This variant is not present in population databases (gnomAD no frequency). This variant has not been reported in the literature in individuals affected with NF1-related conditions. Algorithms developed to predict the effect of sequence changes on RNA splicing suggest that this variant may disrupt the consensus splice site. For these reasons, this variant has been classified as Pathogenic.

Literature cited by the submitters: PubMed 10712197; PubMed 23913538.

NM_001042492.3(NF1):c.6179_6183dup (p.Cys2062fs)

Gene: NF1 (neurofibromin 1; plus strand). Cytogenetic location: 17q11.2.
Variant type: Duplication.
Coding change: c.6179_6183dup on transcript NM_001042492.3 (MANE Select); coding-DNA positions 6179 to 6183, 5 bases duplicated (AGACA; older notation c.6179_6183dupAGACA).
Protein change: p.Cys2062fs; shifts the reading frame from cysteine 2062.
Molecular consequence: frameshift variant.
Genome position (GRCh38, 1-based): chr17:31,336,666-31,336,670, AGACA duplicated; duplicating any 5 consecutive bases within chr17:31,336,662-31,336,670 gives the same sequence; the c. name uses the placement nearest the transcript's 3' end. VCF-style (leftmost placement, unchanged base first): chr17-31336661-T-TGACAA. GRCh37 (hg19) VCF-style: chr17-29663679-T-TGACAA.
Other names: c.6116_6120dup, p.Cys2041Argfs (NM_000267.4); short protein forms C2062fs, C2041fs.
Identifiers: ClinVar variation 2705184 (VCV002705184.3), dbSNP rs2508747968, ClinGen allele CA2697559632.
Genomic context (GRCh38, chr17:31,336,661, plus strand): 5'-TTTTTTTAAAAAAAAAAATCCTGCTTCTTTACAGGTTATTGGAAGGATGTGCAAAATAAT[T>TGACAA]GACAAGACATGCTTATCTCCAACTCCTACTTTAGAACAACATCTTATGTGGGATGATATT-3'